The following is an entry in ClinVar:

NM_001429.4(EP300):c.2033C>T (p.Pro678Leu)

Gene: EP300 (EP300 lysine acetyltransferase; plus strand). Cytogenetic location: 22q13.2.
Variant type: single nucleotide variant.
Coding change: c.2033C>T on transcript NM_001429.4 (MANE Select); coding-DNA position 2033, C replaced by T.
Protein change: p.Pro678Leu; replaces proline 678 with leucine.
Molecular consequence: missense variant.
Genome position (GRCh38, 1-based): chr22:41,141,202, C>T. VCF-style: chr22-41141202-C-T. GRCh37 (hg19) VCF-style: chr22-41537206-C-T.
Other names: c.2033C>T, p.Pro678Leu (NM_001362843.2); c.2033C>T (NM_001429.3); short protein forms P678L.
Identifiers: ClinVar variation 4703300 (VCV004703300.2).

ClinVar aggregate classification (germline): Uncertain significance. Review status: criteria provided, multiple submitters, no conflicts (2 of 4 stars). 2 submissions from 2 submitters: Uncertain significance (2). Last evaluated 2026-08-14.

Conditions:
Rubinstein-Taybi syndrome due to EP300 haploinsufficiency. Also called: EP300-Related Rubinstein-Taybi Syndrome; RUBINSTEIN-TAYBI SYNDROME 2. Identifiers: Orphanet 353284, Orphanet 783, MedGen C3150941, MONDO:0013364, OMIM 613684.
EP300-related disorder. Also called: EP300-related condition; EP300-related disorders.

gnomAD v4.1: 10 of 1,614,060 alleles (0.00062%); highest among the groups gnomAD compares: South Asian, 0.0011%; no homozygotes.

Submissions (2):

PreventionGenetics, part of Exact Sciences
Classification: Uncertain significance for EP300-related condition. Last evaluated: 2026-08-14. Review status: criteria provided, single submitter. Criteria: ACMG Guidelines, 2015. Collection method: clinical testing. Allele origin: germline.
Comment: The EP300 c.2033C>T variant is predicted to result in the amino acid substitution p.Pro678Leu. To our knowledge, this variant has not been reported in patients with EP300-related disorders. This variant is reported in 0.0046% of alleles in individuals of European (Finnish) descent in gnomAD. At this time, the clinical significance of this variant is uncertain due to the absence of conclusive functional and genetic evidence.

Labcorp Genetics (formerly Invitae), Labcorp
Classification: Uncertain significance for Rubinstein-Taybi syndrome due to EP300 haploinsufficiency. Last evaluated: 2025-07-09. Review status: criteria provided, single submitter. Criteria: Invitae Variant Classification Sherloc (09022015). Collection method: clinical testing. Allele origin: germline.
Comment: This sequence change replaces proline, which is neutral and non-polar, with leucine, which is neutral and non-polar, at codon 678 of the EP300 protein (p.Pro678Leu). This variant is present in population databases (no rsID available, gnomAD 0.004%). This variant has not been reported in the literature in individuals affected with EP300-related conditions. Invitae Evidence Modeling of protein sequence and biophysical properties (such as structural, functional, and spatial information, amino acid conservation, physicochemical variation, residue mobility, and thermodynamic stability) indicates that this missense variant is not expected to disrupt EP300 protein function with a negative predictive value of 80%. In summary, the available evidence is currently insufficient to determine the role of this variant in disease. Therefore, it has been classified as a Variant of Uncertain Significance.